The following is an entry in ClinVar:

NM_017763.6(RNF43):c.253-3C>A

Gene: RNF43 (ring finger protein 43; minus strand). Cytogenetic location: 17q22.
Variant type: single nucleotide variant.
Coding change: c.253-3C>A on transcript NM_017763.6 (MANE Select); 3 bases into the intron before coding-DNA position 253, C replaced by A.
Molecular consequence: intron variant.
Genome position (GRCh38, 1-based): chr17:58,371,036, G>T on the plus strand (C>A on the coding strand, the complement: RNF43 is on the minus strand). VCF-style: chr17-58371036-G-T. GRCh37 (hg19) VCF-style: chr17-56448397-G-T.
Other names: c.253-3C>A (NM_001438822.1, NM_001305544.3, NM_001438820.1 and 1 more transcripts); c.-129-3C>A (NM_001305545.2, NM_001437987.1).
Identifiers: ClinVar variation 1036879 (VCV001036879.6), dbSNP rs1973084681, ClinGen allele CA2267675280.

ClinVar aggregate classification (germline): Uncertain significance (1 of 4 stars; one submission).

Submission:

Labcorp Genetics (formerly Invitae), Labcorp
Classification: Uncertain significance. Last evaluated: 2025-10-06. Review status: criteria provided, single submitter. Criteria: Invitae Variant Classification Sherloc (09022015). Collection method: clinical testing. Allele origin: germline.
Comment: This sequence change falls in intron 2 of the RNF43 gene. It does not directly change the encoded amino acid sequence of the RNF43 protein. It affects a nucleotide within the consensus splice site. This variant is not present in population databases (gnomAD no frequency). This variant has not been reported in the literature in individuals affected with RNF43-related conditions. ClinVar contains an entry for this variant (Variation ID: 1036879). Variants that disrupt the consensus splice site are a relatively common cause of aberrant splicing (PMID: 17576681, 9536098). Algorithms developed to predict the effect of sequence changes on RNA splicing suggest that this variant is not likely to affect RNA splicing. In summary, the available evidence is currently insufficient to determine the role of this variant in disease. Therefore, it has been classified as a Variant of Uncertain Significance.

Literature cited by the submitters: PubMed 17576681; PubMed 9536098.